The following is an entry in ClinVar:

NM_005228.5(EGFR):c.2980G>A (p.Asp994Asn)

Gene: EGFR (epidermal growth factor receptor; plus strand). Cytogenetic location: 7p11.2.
Variant type: single nucleotide variant.
Coding change: c.2980G>A on transcript NM_005228.5 (MANE Select); coding-DNA position 2980, G replaced by A.
Protein change: p.Asp994Asn; replaces aspartic acid 994 with asparagine.
Molecular consequence: missense variant.
Genome position (GRCh38, 1-based): chr7:55,201,221, G>A. VCF-style: chr7-55201221-G-A. GRCh37 (hg19) VCF-style: chr7-55268914-G-A.
Other names: c.2980G>A (NM_005228.3); c.2845G>A, p.Asp949Asn (NM_001346897.2, NM_001346899.2); c.2980G>A, p.Asp994Asn (NM_001346898.2); c.2821G>A, p.Asp941Asn (NM_001346900.2); c.2179G>A, p.Asp727Asn (NM_001346941.2); short protein forms D941N, D949N, D727N, D994N.
Identifiers: ClinVar variation 1385212 (VCV001385212.7), dbSNP rs1787831942, ClinGen allele CA367582403.

ClinVar aggregate classification (germline): Uncertain significance. Review status: criteria provided, multiple submitters, no conflicts (2 of 4 stars). 2 submissions from 2 submitters: Uncertain significance (2). Last evaluated 2026-01-30.

Conditions:
Hereditary cancer-predisposing syndrome. Also called: Hereditary neoplastic syndrome; Tumor predisposition; Neoplastic Syndromes, Hereditary; Hereditary Cancer Syndrome. Identifiers: Orphanet 140162, MedGen C0027672, MeSH D009386, MONDO:0015356.
EGFR-related lung cancer (EGFR). Identifiers: MedGen CN130014.

gnomAD v4.1: 1 of 1,614,146 alleles (0.000062%); no homozygotes.

Submissions (2):

Ambry Genetics
Classification: Uncertain significance for Hereditary cancer-predisposing syndrome. Last evaluated: 2026-01-30. Review status: criteria provided, single submitter. Criteria: Ambry Variant Classification Scheme 2023. Collection method: clinical testing. Allele origin: germline.
Comment: The p.D994N variant (also known as c.2980G>A), located in coding exon 25 of the EGFR gene, results from a G to A substitution at nucleotide position 2980. The aspartic acid at codon 994 is replaced by asparagine, an amino acid with highly similar properties. This amino acid position is well conserved in available vertebrate species. In addition, this alteration is predicted to be tolerated by in silico analysis. Based on the available evidence, the clinical significance of this variant remains unclear.

Labcorp Genetics (formerly Invitae), Labcorp
Classification: Uncertain significance for EGFR-related lung cancer. Last evaluated: 2025-07-02. Review status: criteria provided, single submitter. Criteria: Invitae Variant Classification Sherloc (09022015). Collection method: clinical testing. Allele origin: germline.
Comment: This sequence change replaces aspartic acid, which is acidic and polar, with asparagine, which is neutral and polar, at codon 994 of the EGFR protein (p.Asp994Asn). This variant is not present in population databases (gnomAD no frequency). This variant has not been reported in the literature in individuals affected with EGFR-related conditions. ClinVar contains an entry for this variant (Variation ID: 1385212). Invitae Evidence Modeling of protein sequence and biophysical properties (such as structural, functional, and spatial information, amino acid conservation, physicochemical variation, residue mobility, and thermodynamic stability) indicates that this missense variant is not expected to disrupt EGFR protein function with a negative predictive value of 80%. In summary, the available evidence is currently insufficient to determine the role of this variant in disease. Therefore, it has been classified as a Variant of Uncertain Significance.